The following is an entry in ClinVar:

ClinVar aggregate classification (germline): Pathogenic (0 of 4 stars; one submission).

Conditions:
Hypoplastic left heart syndrome. Also called: Hypoplastic left ventricle; Hypoplastic left heart. Identifiers: Orphanet 2248, MedGen C0152101, MONDO:0004933, HP:0004383.

Submission:

Precision Medical Center, Wuhan Children's Hospital
Classification: Pathogenic for Hypoplastic left heart syndrome. Last evaluated: 2021-03-26. Review status: no assertion criteria provided. Collection method: clinical testing. Allele origin: de novo. Inheritance: Autosomal dominant inheritance. Affected: yes. Observed: 1 variant allele, 1 heterozygote.
Comment: Loss-of-function variants in this gene confer a higher risk for and segregates with left-sided-CHD and deletion of the whole NOTCH1 gene was previously reported to cause non-syndromic Tetralogy of Fallot and HLHS. In addition, this 9q34.3 microdeletion was not in DGV, HGMD and CinVar, as well as absent in gnomAD. In hence, it is classified as a pathogenic variant according to the ACMG guide line.

Literature cited by the submitters: PubMed 31690835.

GRCh37/hg19 9q34.3(chr9:139315643-139465759)x1

Genes: C9orf163 (chromosome 9 putative open reading frame 163; plus strand), INPP5E (inositol polyphosphate-5-phosphatase E; minus strand), NOTCH1 (notch receptor 1; minus strand), PMPCA (peptidase, mitochondrial processing subunit alpha; plus strand), SEC16A (SEC16 homolog A, endoplasmic reticulum export factor; minus strand). Cytogenetic location: 9q34.3.
Variant type: copy number loss.
Change: copy number 1 (one copy instead of two) of chr9:139,315,643-139,465,759 (150.1 kb, GRCh37 coordinates, 1-based), cytogenetic band 9q34.3.
Identifiers: ClinVar variation 1048548 (VCV001048548.2).